The following is an entry in ClinVar:

ClinVar aggregate classification (germline): Conflicting classifications of pathogenicity. Review status: criteria provided, conflicting classifications (1 of 4 stars). 2 submissions from 2 submitters: Uncertain significance (1); Benign (1). Last evaluated 2025-11-25.

Conditions:
Menke-Hennekam syndrome 2 (MKHK2). Identifiers: MedGen C5193035, MONDO:0020769, OMIM 618333.

Submissions (2):

Dasa
Classification: Uncertain significance for Menke-Hennekam syndrome 2. Last evaluated: 2025-11-25. Review status: criteria provided, single submitter. Criteria: DASA Assertion Criteria. Collection method: clinical testing. Allele origin: germline.
Comment: NM_001429.4(EP300):c.5633C>A (p.Thr1878Asn) is a missense variant that results in the substitution of threonine with asparagine. This variant is absent from population databases. The currently available literature and clinical evidence are not sufficient to establish a definitive association between this variant and the reported condition. Therefore, this variant is classified as a variant of uncertain significance.

Mendelics
Classification: Benign. Last evaluated: 2022-05-04. Review status: criteria provided, single submitter. Criteria: Mendelics Assertion Criteria 2019. Collection method: clinical testing. Allele origin: germline.

NM_001429.4(EP300):c.5633C>A (p.Thr1878Asn)

Gene: EP300 (EP300 lysine acetyltransferase; plus strand). Cytogenetic location: 22q13.2.
Variant type: single nucleotide variant.
Coding change: c.5633C>A on transcript NM_001429.4 (MANE Select); coding-DNA position 5633, C replaced by A.
Protein change: p.Thr1878Asn; replaces threonine 1878 with asparagine.
Molecular consequence: missense variant.
Genome position (GRCh38, 1-based): chr22:41,177,344, C>A. VCF-style: chr22-41177344-C-A. GRCh37 (hg19) VCF-style: chr22-41573348-C-A.
Other names: c.5555C>A, p.Thr1852Asn (NM_001362843.2); short protein forms T1852N, T1878N.
Identifiers: ClinVar variation 1685029 (VCV001685029.3), dbSNP rs1484157418, ClinGen allele CA411709439.